The following is an entry in ClinVar:

ClinVar aggregate classification (germline): Pathogenic (1 of 4 stars; one submission).

Conditions:
Pallister-Hall syndrome (PHS). Also called: HYPOTHALAMIC HAMARTOBLASTOMA, HYPOPITUITARISM, IMPERFORATE ANUS, AND POSTAXIAL POLYDACTYLY; GLI3-Related Pallister-Hall Syndrome. Identifiers: Orphanet 672, MedGen C0265220, MONDO:0007804, OMIM 146510.
Greig cephalopolysyndactyly syndrome (GCPS). Also called: POLYSYNDACTYLY WITH PECULIAR SKULL SHAPE; Greig syndrome; GLI3-Related Greig Cephalopolysyndactyly Syndrome. Identifiers: Orphanet 380, MedGen C0265306, MONDO:0008287, OMIM 175700.

Submission:

Labcorp Genetics (formerly Invitae), Labcorp
Classification: Pathogenic for Pallister-Hall syndrome; Greig cephalopolysyndactyly syndrome. Last evaluated: 2023-01-31. Review status: criteria provided, single submitter. Criteria: Invitae Variant Classification Sherloc (09022015). Collection method: clinical testing. Allele origin: germline.
Comment: For these reasons, this variant has been classified as Pathogenic. This variant disrupts a region of the GLI3 protein in which other variant(s) (p.Thr1488Lysfs*23) have been determined to be pathogenic (PMID: 24736735). This suggests that this is a clinically significant region of the protein, and that variants that disrupt it are likely to be disease-causing. This variant has not been reported in the literature in individuals affected with GLI3-related conditions. This variant is not present in population databases (gnomAD no frequency). This sequence change creates a premature translational stop signal (p.Gln1148*) in the GLI3 gene. While this is not anticipated to result in nonsense mediated decay, it is expected to disrupt the last 433 amino acid(s) of the GLI3 protein.

Literature cited by the submitters: PubMed 24736735.

NM_000168.6(GLI3):c.3442C>T (p.Gln1148Ter)

Gene: GLI3 (GLI family zinc finger 3; minus strand). Cytogenetic location: 7p14.1.
Variant type: single nucleotide variant.
Coding change: c.3442C>T on transcript NM_000168.6 (MANE Select); coding-DNA position 3442, C replaced by T.
Protein change: p.Gln1148Ter; replaces glutamine 1148 with a stop codon.
Molecular consequence: nonsense.
Genome position (GRCh38, 1-based): chr7:41,965,631, G>A on the plus strand (C>T on the coding strand, the complement: GLI3 is on the minus strand). VCF-style: chr7-41965631-G-A. GRCh37 (hg19) VCF-style: chr7-42005229-G-A.
Other names: short protein forms Q1148*.
Identifiers: ClinVar variation 2943786 (VCV002943786.3), dbSNP rs2484372572, ClinGen allele CA367318031.